The following is an entry in ClinVar:

ClinVar aggregate classification (germline): Likely pathogenic (1 of 4 stars; one submission).

Conditions:
Mucopolysaccharidosis, MPS-IV-A (MPS4A). Also called: Mucopolysaccharidosis type IV A; Mucopolysaccharidosis Type IVA; Morquio syndrome A, mild; MORQUIO SYNDROME A; MPS IVA; mucopolysaccharidosis type 4A. Identifiers: Orphanet 309297, Orphanet 582, MedGen C0086651, MONDO:0009659, OMIM 253000.

Submission:

Laboratory of Diagnosis and Therapy of Lysosomal Disorders, University of Padova
Classification: Likely pathogenic for Mucopolysaccharidosis, MPS-IV-A. Last evaluated: 2021-02-01. Review status: criteria provided, single submitter. Criteria: ACMG Guidelines, 2015. Collection method: curation. Allele origin: germline. Affected: yes.
Comment: Splicing variant in canonical site (PVS1_very strong); absent from gnomAD v2.1.1 (PM2_moderate)

Literature cited by the submitters: PubMed 24035930; PubMed 34387910.

NM_000512.5(GALNS):c.1243-1G>C

Gene: GALNS (galactosamine (N-acetyl)-6-sulfatase; minus strand). Cytogenetic location: 16q24.3.
Variant type: single nucleotide variant.
Coding change: c.1243-1G>C on transcript NM_000512.5 (MANE Select); the canonical splice acceptor site of the intron before coding-DNA position 1243, G replaced by C.
Molecular consequence: splice acceptor variant.
Genome position (GRCh38, 1-based): chr16:88,822,711, C>G on the plus strand (G>C on the coding strand, the complement: GALNS is on the minus strand). VCF-style: chr16-88822711-C-G. GRCh37 (hg19) VCF-style: chr16-88889119-C-G.
Other names: c.688-1G>C (NM_001323543.2); c.1261-1G>C (NM_001323544.2).
Identifiers: ClinVar variation 1048353 (VCV001048353.3), dbSNP rs1597535277, ClinGen allele CA397096517.